The following is an entry in ClinVar:

ClinVar aggregate classification (germline): Uncertain significance (1 of 4 stars; one submission).

Conditions:
Congenital myotonia, autosomal recessive form. Also called: Becker Generalized Myotonia; BECKER DISEASE; myotonia congenita, autosomal recessive. Identifiers: Orphanet 614, MedGen C0751360, MONDO:0009715, OMIM 255700.
Congenital myotonia, autosomal dominant form (THD). Also called: THOMSEN DISEASE; Myotonia congenita autosomal dominant. Identifiers: Orphanet 614, MedGen C2936781, MONDO:0008055, OMIM 160800.

Allele frequency attached by ClinVar (database versions not stated): gnomAD exomes below 0.00001.
gnomAD v4.1: 1 of 1,614,138 alleles (0.000062%); highest among the groups gnomAD compares: Non-Finnish European, 0.000085%; no homozygotes.

Submission:

Labcorp Genetics (formerly Invitae), Labcorp
Classification: Uncertain significance for Congenital myotonia, autosomal recessive form; Congenital myotonia, autosomal dominant form. Last evaluated: 2022-07-15. Review status: criteria provided, single submitter. Criteria: Invitae Variant Classification Sherloc (09022015). Collection method: clinical testing. Allele origin: germline.
Comment: In summary, the available evidence is currently insufficient to determine the role of this variant in disease. Therefore, it has been classified as a Variant of Uncertain Significance. Algorithms developed to predict the effect of missense changes on protein structure and function are either unavailable or do not agree on the potential impact of this missense change (SIFT: "Tolerated"; PolyPhen-2: "Probably Damaging"; Align-GVGD: "Class C0"). This variant has not been reported in the literature in individuals affected with CLCN1-related conditions. This variant is not present in population databases (gnomAD no frequency). This sequence change replaces threonine, which is neutral and polar, with alanine, which is neutral and non-polar, at codon 633 of the CLCN1 protein (p.Thr633Ala).

NM_000083.3(CLCN1):c.1897A>G (p.Thr633Ala)

Gene: CLCN1 (chloride voltage-gated channel 1; plus strand). Cytogenetic location: 7q34.
Variant type: single nucleotide variant.
Coding change: c.1897A>G on transcript NM_000083.3 (MANE Select); coding-DNA position 1897, A replaced by G.
Protein change: p.Thr633Ala; replaces threonine 633 with alanine.
Molecular consequence: missense variant. On other transcripts: non-coding transcript variant (1).
Genome position (GRCh38, 1-based): chr7:143,342,472, A>G. VCF-style: chr7-143342472-A-G. GRCh37 (hg19) VCF-style: chr7-143039565-A-G.
Other names: short protein forms T633A.
Identifiers: ClinVar variation 2421252 (VCV002421252.6), dbSNP rs2487091764, ClinGen allele CA369648004.